The following is an entry in ClinVar:

ClinVar aggregate classification (germline): Benign/Likely benign. Review status: criteria provided, multiple submitters, no conflicts (2 of 4 stars). 4 submissions from 4 submitters: Benign (1); Likely benign (3). Last evaluated 2026-06-23.

Conditions:
Hereditary cancer-predisposing syndrome. Also called: Neoplastic Syndromes, Hereditary; Tumor predisposition; Hereditary Cancer Syndrome; Hereditary neoplastic syndrome. Identifiers: Orphanet 140162, MedGen C0027672, MeSH D009386, MONDO:0015356.
Retinoblastoma (RB1). Also called: RETINOBLASTOMA, SOMATIC. Identifiers: Orphanet 790, MedGen C0035335, MeSH D012175, MONDO:0008380, OMIM 180200, HP:0009919. Disease mechanism: loss of function. Inheritance: Both sporadic and heritable forms are tested..

Submissions (4):

Myriad Genetics, Inc.
Classification: Benign for Retinoblastoma. Last evaluated: 2026-06-23. Review status: criteria provided, single submitter. Criteria: Myriad Autosomal Dominant, Autosomal Recessive and X-Linked Classification Criteria (2023). Collection method: clinical testing. Allele origin: unknown.
Comment: This variant is considered benign. This variant is a silent/synonymous amino acid change and it is not expected to impact splicing.

Labcorp Genetics (formerly Invitae), Labcorp
Classification: Likely benign for Retinoblastoma. Last evaluated: 2025-10-15. Review status: criteria provided, single submitter. Criteria: Invitae Variant Classification Sherloc (09022015). Collection method: clinical testing. Allele origin: germline.

Ambry Genetics
Classification: Likely benign for Hereditary cancer-predisposing syndrome. Last evaluated: 2024-04-01. Review status: criteria provided, single submitter. Criteria: Ambry Variant Classification Scheme 2023. Collection method: clinical testing. Allele origin: germline.

All of Us Research Program, National Institutes of Health
Classification: Likely benign for Retinoblastoma. Last evaluated: 2023-12-18. Review status: criteria provided, single submitter. Criteria: ACMG Guidelines, 2015. Collection method: clinical testing. Allele origin: germline. Inheritance: Autosomal dominant inheritance. Observed: 1 variant allele, 1 heterozygote.
Comment: This study involves interpretation of variants in research participants for the purpose of population health screening. Participant phenotype was not available at the time of variant classification. Additional details can be found in publication PMID: 35346344, PMCID: PMC8962531

NM_000321.3(RB1):c.135C>T (p.Val45=)

Gene: RB1 (RB transcriptional corepressor 1; plus strand). Cytogenetic location: 13q14.2.
Variant type: single nucleotide variant.
Coding change: c.135C>T on transcript NM_000321.3 (MANE Select); coding-DNA position 135, C replaced by T.
Protein change: p.Val45=; no amino-acid change (valine 45 retained).
Molecular consequence: synonymous variant.
Genome position (GRCh38, 1-based): chr13:48,304,047, C>T. VCF-style: chr13-48304047-C-T. GRCh37 (hg19) VCF-style: chr13-48878183-C-T.
Other names: c.135C>T (NM_000321.2).
Identifiers: ClinVar variation 1589372 (VCV001589372.11), dbSNP rs1952055180, ClinGen allele CA483711666.